The following is an entry in ClinVar:

NM_000444.6(PHEX):c.1946_1954del (p.Gly649_Arg651del)

Genes: PHEX (phosphate regulating endopeptidase X-linked; plus strand), PTCHD1-AS (PTCHD1 and PHEX antisense RNA; minus strand). Cytogenetic location: Xp22.11.
Variant type: Deletion.
Coding change: c.1946_1954del on transcript NM_000444.6 (MANE Select); coding-DNA positions 1946 to 1954, 9 bases deleted (GCCTGCGGG; older notation c.1946_1954delGCCTGCGGG).
Protein change: p.Gly649_Arg651del.
Molecular consequence: inframe deletion.
Genome position (GRCh38, 1-based): chrX:22,226,489-22,226,497, GCCTGCGGG deleted; deleting any 9 consecutive bases within chrX:22,226,488-22,226,497 gives the same sequence; the c. name uses the placement nearest the transcript's 3' end. VCF-style (leftmost placement, unchanged base first): chrX-22226487-AGGCCTGCGG-A. GRCh37 (hg19) VCF-style: chrX-22244604-AGGCCTGCGG-A.
Other names: c.1946_1954del, p.Gly649_Arg651del (NM_001282754.2).
Identifiers: ClinVar variation 1452868 (VCV001452868.6), dbSNP rs2147183196, ClinGen allele CA2573158545.
Genomic context (GRCh38, chrX:22,226,487, plus strand): 5'-TTTTTCTTTCTGTTAGGTCAAGGGGAAGAGGACCCTGGGAGAAAATATTGCTGATAATGG[AGGCCTGCGG>A]GAAGCTTTTAGGGTATGCGCTGCTACATTTACCGTGGTTCTAAAAATCAAGCCATAAAAC-3'

ClinVar aggregate classification (germline): Pathogenic (1 of 4 stars; one submission).

Submission:

Labcorp Genetics (formerly Invitae), Labcorp
Classification: Pathogenic. Last evaluated: 2025-01-23. Review status: criteria provided, single submitter. Criteria: Invitae Variant Classification Sherloc (09022015). Collection method: clinical testing. Allele origin: germline.
Comment: This variant, c.1946_1954del, results in the deletion of 3 amino acid(s) of the PHEX protein (p.Gly649_Arg651del), but otherwise preserves the integrity of the reading frame. This variant is not present in population databases (gnomAD no frequency). This variant has been observed in individual(s) with hypophosphatemic rickets (internal data). In at least one individual the variant was observed to be de novo. ClinVar contains an entry for this variant (Variation ID: 1452868). This variant disrupts a region of the PHEX protein in which other variant(s) (p.Leu650Pro) have been determined to be pathogenic (PMID: 32252220; internal data). This suggests that this is a clinically significant region of the protein, and that variants that disrupt it are likely to be disease-causing. For these reasons, this variant has been classified as Pathogenic.

Literature cited by the submitters: PubMed 32252220.